The following is an entry in ClinVar:

NM_001036.6(RYR3):c.10649C>A (p.Pro3550His)

Gene: RYR3 (ryanodine receptor 3; plus strand). Cytogenetic location: 15q14.
Variant type: single nucleotide variant.
Coding change: c.10649C>A on transcript NM_001036.6 (MANE Select); coding-DNA position 10649, C replaced by A.
Protein change: p.Pro3550His; replaces proline 3550 with histidine.
Molecular consequence: missense variant.
Genome position (GRCh38, 1-based): chr15:33,818,627, C>A. VCF-style: chr15-33818627-C-A. GRCh37 (hg19) VCF-style: chr15-34110828-C-A.
Other names: c.10634C>A, p.Pro3545His (NM_001243996.4); short protein forms P3550H, P3545H.
Identifiers: ClinVar variation 654246 (VCV000654246.8), dbSNP rs760323861, ClinGen allele CA7460911.

ClinVar aggregate classification (germline): Uncertain significance (1 of 4 stars; one submission).

Conditions:
Epileptic encephalopathy. Identifiers: MedGen C0543888, HP:0200134.

Allele frequency attached by ClinVar (database versions not stated): gnomAD exomes below 0.00001 and 0.00001; ExAC 0.00001.
gnomAD v4.1: 2 of 1,613,964 alleles (0.00012%); highest among the groups gnomAD compares: Middle Eastern, 0.017%; no homozygotes.

Submission:

Labcorp Genetics (formerly Invitae), Labcorp
Classification: Uncertain significance for Epileptic encephalopathy. Last evaluated: 2021-01-15. Review status: criteria provided, single submitter. Criteria: Invitae Variant Classification Sherloc (09022015). Collection method: clinical testing. Allele origin: germline.
Comment: Algorithms developed to predict the effect of missense changes on protein structure and function are either unavailable or do not agree on the potential impact of this missense change (SIFT: "Deleterious"; PolyPhen-2: "Possibly Damaging"; Align-GVGD: "Class C0"). In summary, the available evidence is currently insufficient to determine the role of this variant in disease. Therefore, it has been classified as a Variant of Uncertain Significance. This variant has not been reported in the literature in individuals with RYR3-related disease. This variant is present in population databases (rs760323861, ExAC 0.002%). This sequence change replaces proline with histidine at codon 3550 of the RYR3 protein (p.Pro3550His). The proline residue is highly conserved and there is a moderate physicochemical difference between proline and histidine.